The following is an entry in ClinVar:

ClinVar aggregate classification (germline): Uncertain significance (1 of 4 stars; one submission).

Conditions:
DICER1-related tumor predisposition. Also called: DICER1 syndrome; DICER1-related pleuropulmonary blastoma cancer predisposition syndrome. Identifiers: Orphanet 284343, MedGen C3839822, MONDO:0100216.

Submission:

Labcorp Genetics (formerly Invitae), Labcorp
Classification: Uncertain significance for DICER1-related tumor predisposition. Last evaluated: 2020-08-17. Review status: criteria provided, single submitter. Criteria: Invitae Variant Classification Sherloc (09022015). Collection method: clinical testing. Allele origin: germline.
Comment: In summary, the available evidence is currently insufficient to determine the role of this variant in disease. Therefore, it has been classified as a Variant of Uncertain Significance. Algorithms developed to predict the effect of missense changes on protein structure and function (SIFT, PolyPhen-2, Align-GVGD) all suggest that this variant is likely to be disruptive, but these predictions have not been confirmed by published functional studies and their clinical significance is uncertain. This variant has not been reported in the literature in individuals with DICER1-related conditions. This variant is not present in population databases (ExAC no frequency). This sequence change replaces cysteine with serine at codon 177 of the DICER1 protein (p.Cys177Ser). The cysteine residue is highly conserved and there is a moderate physicochemical difference between cysteine and serine.

NM_177438.3(DICER1):c.529T>A (p.Cys177Ser)

Gene: DICER1 (dicer 1, ribonuclease III; minus strand). Cytogenetic location: 14q32.13.
Variant type: single nucleotide variant.
Coding change: c.529T>A on transcript NM_177438.3 (MANE Select); coding-DNA position 529, T replaced by A.
Protein change: p.Cys177Ser; replaces cysteine 177 with serine.
Molecular consequence: missense variant.
Genome position (GRCh38, 1-based): chr14:95,130,102, A>T on the plus strand (T>A on the coding strand, the complement: DICER1 is on the minus strand). VCF-style: chr14-95130102-A-T. GRCh37 (hg19) VCF-style: chr14-95596439-A-T.
Other names: c.529T>A, p.Cys177Ser (NM_001195573.1, NM_001271282.3, NM_001291628.2 and 1 more transcripts); short protein forms C177S.
Identifiers: ClinVar variation 957812 (VCV000957812.11), dbSNP rs1893825454, ClinGen allele CA390888421.